The following is an entry in ClinVar:

ClinVar aggregate classification (germline): Uncertain significance (1 of 4 stars; one submission).

Conditions:
Hereditary sensory and autonomic neuropathy type 6. Also called: HSAN VI; Neuropathy, hereditary sensory and autonomic, type VI. Identifiers: Orphanet 314381, MedGen C3539003, MONDO:0013839, OMIM 614653.
Epidermolysis bullosa simplex 3, localized or generalized intermediate, with BP230 deficiency (EBS3). Also called: Epidermolysis bullosa simplex, autosomal recessive 2; Epidermolysis bullosa simplex due to BP230 deficiency. Identifiers: Orphanet 412181, MedGen C3809470, MONDO:0014180, OMIM 615425.

Allele frequency attached by ClinVar (database versions not stated): gnomAD exomes below 0.00001; TOPMed 0.00001.
gnomAD v4.1: 4 of 1,612,858 alleles (0.00025%); highest among the groups gnomAD compares: African/African-American, 0.0053%; no homozygotes.

Submission:

Labcorp Genetics (formerly Invitae), Labcorp
Classification: Uncertain significance for Epidermolysis bullosa simplex 3, localized or generalized intermediate, with BP230 deficiency; Hereditary sensory and autonomic neuropathy type 6. Last evaluated: 2022-06-13. Review status: criteria provided, single submitter. Criteria: Invitae Variant Classification Sherloc (09022015). Collection method: clinical testing. Allele origin: germline.
Comment: The DST gene has multiple clinically relevant transcripts. This variant occurs in alternate transcript NM_015548.4, and corresponds to NM_001723.5:c.*88024G>A in the primary transcript. This sequence change affects codon 3351 of the DST mRNA. It is a 'silent' change, meaning that it does not change the encoded amino acid sequence of the DST protein. It affects a nucleotide within the consensus splice site. This variant is present in population databases (no rsID available, gnomAD 0.007%). This variant has not been reported in the literature in individuals affected with DST-related conditions. Experimental studies and prediction algorithms are not available or were not evaluated, and the effect of this variant on mRNA splicing is currently unknown. In summary, the available evidence is currently insufficient to determine the role of this variant in disease. Therefore, it has been classified as a Variant of Uncertain Significance.

NM_001374736.1(DST):c.17922G>A (p.Lys5974=)

Gene: DST (dystonin; minus strand). Cytogenetic location: 6p12.1.
Variant type: single nucleotide variant.
Coding change: c.17922G>A on transcript NM_001374736.1 (MANE Select); coding-DNA position 17922, G replaced by A.
Protein change: p.Lys5974=; no amino-acid change (lysine 5974 retained).
Molecular consequence: synonymous variant.
Genome position (GRCh38, 1-based): chr6:56,527,493, C>T on the plus strand (G>A on the coding strand, the complement: DST is on the minus strand). VCF-style: chr6-56527493-C-T. GRCh37 (hg19) VCF-style: chr6-56392291-C-T.
Other names: c.11565G>A, p.Lys3855= (NM_001144769.5); c.11151G>A, p.Lys3717= (NM_001144770.2); c.17922G>A, p.Lys5974= (NM_001374722.1); c.16962G>A, p.Lys5654= (NM_001374729.1); c.10704G>A, p.Lys3568= (NM_001374730.1); c.17949G>A, p.Lys5983= (NM_001374734.1); c.11031G>A, p.Lys3677= (NM_001386100.1, NM_183380.4); c.10053G>A, p.Lys3351= (NM_015548.5).
Identifiers: ClinVar variation 1447452 (VCV001447452.3), dbSNP rs1452785409, ClinGen allele CA450618916.